The following is an entry in ClinVar:

ClinVar aggregate classification (germline): Uncertain significance (1 of 4 stars; one submission).

gnomAD v4.1: 3 of 1,545,444 alleles (0.00019%); highest among the groups gnomAD compares: Non-Finnish European, 0.00026%; no homozygotes.

Submission:

GeneDx
Classification: Uncertain significance. Last evaluated: 2023-12-03. Review status: criteria provided, single submitter. Criteria: GeneDx Variant Classification Process June 2021. Collection method: clinical testing. Allele origin: germline. Affected: yes.
Comment: Not observed at significant frequency in large population cohorts (gnomAD); In silico analysis supports that this missense variant does not alter protein structure/function; Has not been previously published as pathogenic or benign to our knowledge

NM_004973.4(JARID2):c.2435A>G (p.Lys812Arg)

Gene: JARID2 (jumonji and AT-rich interaction domain containing 2; plus strand). Cytogenetic location: 6p22.3.
Variant type: single nucleotide variant.
Coding change: c.2435A>G on transcript NM_004973.4 (MANE Select); coding-DNA position 2435, A replaced by G.
Protein change: p.Lys812Arg; replaces lysine 812 with arginine.
Molecular consequence: missense variant.
Genome position (GRCh38, 1-based): chr6:15,501,396, A>G. VCF-style: chr6-15501396-A-G. GRCh37 (hg19) VCF-style: chr6-15501627-A-G.
Other names: c.1919A>G, p.Lys640Arg (NM_001267040.1); short protein forms K640R, K812R.
Identifiers: ClinVar variation 3365325 (VCV003365325.1).